The following is an entry in ClinVar:

ClinVar aggregate classification (germline): Uncertain significance. Review status: criteria provided, multiple submitters, no conflicts (2 of 4 stars). 3 submissions from 3 submitters: Uncertain significance (3). Last evaluated 2025-03-17.

Conditions:
Inborn genetic diseases. Identifiers: MedGen C0950123, MeSH D030342.
Developmental and epileptic encephalopathy, 18 (DEE18). Also called: Early infantile epileptic encephalopathy 18. Identifiers: Orphanet 369894, MedGen C3809624, MONDO:0014201, OMIM 615476.

Allele frequency attached by ClinVar (database versions not stated): gnomAD exomes 0.00001; gnomAD 0.00003; TOPMed 0.00003; ExAC 0.00001.
gnomAD v4.1: 17 of 1,614,024 alleles (0.0011%); highest among the groups gnomAD compares: Middle Eastern, 0.016%; no homozygotes.

Submissions (3):

Ambry Genetics
Classification: Uncertain significance for Inborn genetic diseases. Last evaluated: 2025-03-17. Review status: criteria provided, single submitter. Criteria: Ambry Variant Classification Scheme 2023. Collection method: clinical testing. Allele origin: germline.

Genome-Nilou Lab
Classification: Uncertain significance for Developmental and epileptic encephalopathy, 18. Last evaluated: 2023-04-11. Review status: criteria provided, single submitter. Criteria: ACMG Guidelines, 2015. Collection method: clinical testing. Allele origin: germline. Affected: no.

Labcorp Genetics (formerly Invitae), Labcorp
Classification: Uncertain significance. Last evaluated: 2021-01-21. Review status: criteria provided, single submitter. Criteria: Invitae Variant Classification Sherloc (09022015). Collection method: clinical testing. Allele origin: germline.
Comment: In summary, the available evidence is currently insufficient to determine the role of this variant in disease. Therefore, it has been classified as a Variant of Uncertain Significance. Algorithms developed to predict the effect of missense changes on protein structure and function are either unavailable or do not agree on the potential impact of this missense change (SIFT: "Deleterious"; PolyPhen-2: "Probably Damaging"; Align-GVGD: "Class C0"). This variant has not been reported in the literature in individuals with SZT2-related conditions. This variant is present in population databases (rs769123289, ExAC 0.01%). This sequence change replaces arginine with cysteine at codon 2753 of the SZT2 protein (p.Arg2753Cys). The arginine residue is highly conserved and there is a large physicochemical difference between arginine and cysteine.

NM_001365999.1(SZT2):c.8428C>T (p.Arg2810Cys)

Gene: SZT2 (SZT2 subunit of KICSTOR complex; plus strand). Cytogenetic location: 1p34.2.
Variant type: single nucleotide variant.
Coding change: c.8428C>T on transcript NM_001365999.1 (MANE Select); coding-DNA position 8428, C replaced by T.
Protein change: p.Arg2810Cys; replaces arginine 2810 with cysteine.
Molecular consequence: missense variant.
Genome position (GRCh38, 1-based): chr1:43,443,196, C>T. VCF-style: chr1-43443196-C-T. GRCh37 (hg19) VCF-style: chr1-43908867-C-T.
Other names: c.8257C>T, p.Arg2753Cys (NM_015284.4); short protein forms R2753C, R2810C.
Identifiers: ClinVar variation 950499 (VCV000950499.11), dbSNP rs769123289, ClinGen allele CA810549.